The following is an entry in ClinVar:

ClinVar aggregate classification (germline): Pathogenic (1 of 4 stars; one submission).

Submission:

Labcorp Genetics (formerly Invitae), Labcorp
Classification: Pathogenic. Last evaluated: 2020-07-07. Review status: criteria provided, single submitter. Criteria: Invitae Variant Classification Sherloc (09022015). Collection method: clinical testing. Allele origin: germline.
Comment: This variant is not present in population databases (ExAC no frequency). This sequence change creates a premature translational stop signal (p.Tyr406*) in the TPP1 gene. It is expected to result in an absent or disrupted protein product. This variant has not been reported in the literature in individuals with TPP1-related conditions. For these reasons, this variant has been classified as Pathogenic. Loss-of-function variants in TPP1 are known to be pathogenic (PMID: 10330339).

Literature cited by the submitters: PubMed 10330339.

NM_000391.4(TPP1):c.1218T>A (p.Tyr406Ter)

Gene: TPP1 (tripeptidyl peptidase 1; minus strand). Cytogenetic location: 11p15.4.
Variant type: single nucleotide variant.
Coding change: c.1218T>A on transcript NM_000391.4 (MANE Select); coding-DNA position 1218, T replaced by A.
Protein change: p.Tyr406Ter; replaces tyrosine 406 with a stop codon.
Molecular consequence: nonsense.
Genome position (GRCh38, 1-based): chr11:6,615,490, A>T on the plus strand (T>A on the coding strand, the complement: TPP1 is on the minus strand). VCF-style: chr11-6615490-A-T. GRCh37 (hg19) VCF-style: chr11-6636721-A-T.
Other names: short protein forms Y406*.
Identifiers: ClinVar variation 1073169 (VCV001073169.7), dbSNP rs747179298, ClinGen allele CA379472958.